The following is an entry in ClinVar:

ClinVar aggregate classification (germline): Uncertain significance (1 of 4 stars; one submission).

Conditions:
Hereditary cancer-predisposing syndrome. Also called: Neoplastic Syndromes, Hereditary; Tumor predisposition; Hereditary neoplastic syndrome; Hereditary Cancer Syndrome. Identifiers: Orphanet 140162, MedGen C0027672, MeSH D009386, MONDO:0015356.

Submission:

Ambry Genetics
Classification: Uncertain significance for Hereditary cancer-predisposing syndrome. Last evaluated: 2026-07-07. Review status: criteria provided, single submitter. Criteria: Ambry Variant Classification Scheme 2023. Collection method: clinical testing. Allele origin: germline.
Comment: The p.H515D variant (also known as c.1543C>G), located in coding exon 5 of the AXIN2 gene, results from a C to G substitution at nucleotide position 1543. The histidine at codon 515 is replaced by aspartic acid, an amino acid with similar properties. This amino acid position is conserved. In addition, the in silico prediction for this alteration is inconclusive. Based on the available evidence, the clinical significance of this variant remains unclear.

NM_004655.4(AXIN2):c.1543C>G (p.His515Asp)

Gene: AXIN2 (axin 2; minus strand). Cytogenetic location: 17q24.1.
Variant type: single nucleotide variant.
Coding change: c.1543C>G on transcript NM_004655.4 (MANE Select); coding-DNA position 1543, C replaced by G.
Protein change: p.His515Asp; replaces histidine 515 with aspartic acid.
Molecular consequence: missense variant.
Genome position (GRCh38, 1-based): chr17:65,537,493, G>C on the plus strand (C>G on the coding strand, the complement: AXIN2 is on the minus strand). VCF-style: chr17-65537493-G-C. GRCh37 (hg19) VCF-style: chr17-63533611-G-C.
Other names: c.1543C>G, p.His515Asp (NM_001363813.1); short protein forms H515D.
Identifiers: ClinVar variation 5032633 (VCV005032633.1).
Genomic context (GRCh38, chr17:65,537,493, plus strand): 5'-CCTCCGCCTCGATCTCCTCCTTGGTCTTGGGGACGGCATGGTGGTGGATGTAGTGGTGGT[G>C]GACATGCTTCGTCGTCTGCTTGGTCACAAAGCCTTTGCCCCCGAGGAGGGGGCAGGCGCC-3'
Protein context (NP_004646.3, residues 505-525): FVTKQTTKHV[His515Asp]HHYIHHHAVP